The following is an entry in ClinVar:

ClinVar aggregate classification (germline): Uncertain significance (1 of 4 stars; one submission).

Submission:

GeneDx
Classification: Uncertain significance. Last evaluated: 2026-02-02. Review status: criteria provided, single submitter. Criteria: GeneDx Variant Classification Process June 2021. Collection method: clinical testing. Allele origin: germline.
Comment: Not observed at significant frequency in large population cohorts (gnomAD); In silico analysis suggests that this missense variant does not alter protein structure/function; Has not been previously published as pathogenic or benign to our knowledge

NM_024757.5(EHMT1):c.118G>A (p.Glu40Lys)

Gene: EHMT1 (euchromatic histone lysine methyltransferase 1; plus strand). Cytogenetic location: 9q34.3.
Variant type: single nucleotide variant.
Coding change: c.118G>A on transcript NM_024757.5 (MANE Select); coding-DNA position 118, G replaced by A.
Protein change: p.Glu40Lys; replaces glutamic acid 40 with lysine.
Molecular consequence: missense variant.
Genome position (GRCh38, 1-based): chr9:137,716,658, G>A. VCF-style: chr9-137716658-G-A. GRCh37 (hg19) VCF-style: chr9-140611110-G-A.
Other names: c.118G>A, p.Glu40Lys (NM_001145527.2, NM_001354263.2, NM_001354611.2); c.25G>A, p.Glu9Lys (NM_001354259.2, NM_001354612.2); short protein forms E40K, E9K.
Identifiers: ClinVar variation 4975823 (VCV004975823.1).